The following is an entry in ClinVar:

ClinVar aggregate classification (germline): Pathogenic (1 of 4 stars; one submission).

Submission:

ISCA Site 6
Classification: Pathogenic. Last evaluated: 2011-08-12. Review status: criteria provided, single submitter. Criteria: Kaminsky et al. (Genet Med. 2011). Collection method: clinical testing. Allele origin: unknown. Affected: yes. Observed: 1 variant allele.
Comment: Copy number variation identified through the course of routine clinical cytogenomic testing in postnatal populations. Clinical assertions have been curated as described in Kaminsky et al. 2011.

GRCh38/hg38 15q11.2-13.1(chr15:23398620-28190742)x1

Genes: ATP10A (ATPase phospholipid transporting 10A (putative); minus strand), ATP10A-DT (ATP10A divergent transcript; plus strand), GABRA5 (gamma-aminobutyric acid type A receptor subunit alpha5; plus strand), GABRB3 (gamma-aminobutyric acid type A receptor subunit beta3; minus strand), GABRG3 (gamma-aminobutyric acid type A receptor subunit gamma3; plus strand) and 137 more. Cytogenetic location: 15q11.2-13.1.
Variant type: copy number loss.
Change: copy number 1 (one copy instead of two) of chr15:23,398,620-28,190,742 (4.79 Mb, GRCh38 coordinates, 1-based), cytogenetic band 15q11.2-13.1.
Identifiers: ClinVar variation 58606 (VCV000058606.2).